The following is an entry in ClinVar:

NM_005732.4(RAD50):c.4T>C (p.Ser2Pro)

Gene: RAD50 (RAD50 double strand break repair protein; plus strand). Cytogenetic location: 5q31.1.
Variant type: single nucleotide variant.
Coding change: c.4T>C on transcript NM_005732.4 (MANE Select); coding-DNA position 4, T replaced by C.
Protein change: p.Ser2Pro; replaces serine 2 with proline.
Molecular consequence: missense variant.
Genome position (GRCh38, 1-based): chr5:132,557,328, T>C. VCF-style: chr5-132557328-T-C. GRCh37 (hg19) VCF-style: chr5-131893020-T-C.
Other names: short protein forms S2P.
Identifiers: ClinVar variation 2834062 (VCV002834062.3), dbSNP rs1750018146, ClinGen allele CA360950643.
Genomic context (GRCh38, chr5:132,557,328, plus strand): 5'-CTCAGTTAAGCCTTTGTGGGCTCCAGGTCCCTGGTGAGATTAGAAACGTTTGCAAACATG[T>C]CCCGGATCGAAAAGATGAGCATTCTGGGCGTGCGGAGTTTTGGAATAGAGGACAAAGATA-3'
Protein context (NP_005723.2, residues 1-12): M[Ser2Pro]RIEKMSILGV

ClinVar aggregate classification (germline): Uncertain significance (1 of 4 stars; one submission).

Conditions:
Hereditary cancer-predisposing syndrome. Also called: Neoplastic Syndromes, Hereditary; Tumor predisposition; Hereditary Cancer Syndrome; Hereditary neoplastic syndrome. Identifiers: Orphanet 140162, MedGen C0027672, MeSH D009386, MONDO:0015356.

Submission:

Labcorp Genetics (formerly Invitae), Labcorp
Classification: Uncertain significance for Hereditary cancer-predisposing syndrome. Last evaluated: 2023-02-03. Review status: criteria provided, single submitter. Criteria: Invitae Variant Classification Sherloc (09022015). Collection method: clinical testing. Allele origin: germline.
Comment: In summary, the available evidence is currently insufficient to determine the role of this variant in disease. Therefore, it has been classified as a Variant of Uncertain Significance. Advanced modeling of protein sequence and biophysical properties (such as structural, functional, and spatial information, amino acid conservation, physicochemical variation, residue mobility, and thermodynamic stability) performed at Invitae indicates that this missense variant is expected to disrupt RAD50 protein function. This variant has not been reported in the literature in individuals affected with RAD50-related conditions. This variant is not present in population databases (gnomAD no frequency). This sequence change replaces serine, which is neutral and polar, with proline, which is neutral and non-polar, at codon 2 of the RAD50 protein (p.Ser2Pro).